The following is an entry in ClinVar:

NM_000138.5(FBN1):c.6024T>A (p.Asn2008Lys)

Gene: FBN1 (fibrillin 1; minus strand). Cytogenetic location: 15q21.1.
Variant type: single nucleotide variant.
Coding change: c.6024T>A on transcript NM_000138.5 (MANE Select); coding-DNA position 6024, T replaced by A.
Protein change: p.Asn2008Lys; replaces asparagine 2008 with lysine.
Molecular consequence: missense variant.
Genome position (GRCh38, 1-based): chr15:48,444,554, A>T on the plus strand (T>A on the coding strand, the complement: FBN1 is on the minus strand). VCF-style: chr15-48444554-A-T. GRCh37 (hg19) VCF-style: chr15-48736751-A-T.
Other names: c.6024T>A, p.Asn2008Lys (NM_001406716.1); short protein forms N2008K.
Identifiers: ClinVar variation 5005425 (VCV005005425.2).

ClinVar aggregate classification (germline): Uncertain significance (1 of 4 stars; one submission).

Conditions:
Acromicric dysplasia (ACMICD). Also called: Acromicric skeletal dysplasia. Identifiers: Orphanet 969, MedGen C0265287, MONDO:0007055, OMIM 102370.
Progeroid and marfanoid aspect-lipodystrophy syndrome. Also called: MARFANOID-PROGEROID SYNDROME; MARFAN-PROGEROID-LIPODYSTROPHY SYNDROME; Marfan lipodystrophy syndrome; MARFANOID-PROGEROID-LIPODYSTROPHY SYNDROME. Identifiers: Orphanet 300382, MedGen C4310796, MONDO:0014831, OMIM 616914.
MASS syndrome (OCTD). Also called: OVERLAP CONNECTIVE TISSUE DISEASE; MASS PHENOTYPE. Identifiers: MedGen C1858556, MONDO:0011431, OMIM 604308.
Geleophysic dysplasia 2 (GPHYSD2). Identifiers: Orphanet 2623, MedGen C3280054, MONDO:0013612, OMIM 614185.
Weill-Marchesani syndrome 2, dominant. Also called: Weill-Marchesani Syndrome, Autosomal Dominant; FBN1-Related Weill-Marchesani Syndrome. Identifiers: Orphanet 2084, MedGen C1869115, MONDO:0012013, OMIM 608328.
Stiff skin syndrome (SSKS). Identifiers: Orphanet 2833, MedGen C1861456, MONDO:0008492, OMIM 184900.
Marfan syndrome (MFS). Also called: Marfan syndrome type 1; FBN1-Related Marfan Syndrome; MARFAN SYNDROME, TYPE I; Marfan's syndrome; Marfan syndrome, classic. Identifiers: Orphanet 284963, Orphanet 558, MedGen C0024796, MONDO:0007947, OMIM 154700.
Ectopia lentis 1, isolated, autosomal dominant (ECTOL1). Identifiers: Orphanet 1885, MedGen C3541518, MONDO:0007514, OMIM 129600.

Submission:

Juno Genomics, Hangzhou Juno Genomics, Inc
Classification: Uncertain significance for Stiff skin syndrome; Weill-Marchesani syndrome 2, dominant; Acromicric dysplasia; Ectopia lentis 1, isolated, autosomal dominant; Geleophysic dysplasia 2; Progeroid and marfanoid aspect-lipodystrophy syndrome; Marfan syndrome; MASS syndrome. Review status: criteria provided, single submitter. Criteria: ACMG Guidelines, 2015. Collection method: clinical testing. Allele origin: germline.
Comment: Absent from controls (or at extremely low frequency if recessive) in Genome Aggregation Database.;Missense variant in a gene that has a low rate of benign missense variation.;Multiple lines of computational evidence suggest no impact on gene or gene product.